The following is an entry in ClinVar:

NM_000018.4(ACADVL):c.1384_1385insCT (p.Glu462fs)

Gene: ACADVL (acyl-CoA dehydrogenase very long chain; plus strand). Cytogenetic location: 17p13.1.
Variant type: Insertion.
Coding change: c.1384_1385insCT on transcript NM_000018.4 (MANE Select); coding-DNA positions 1384 to 1385, CT inserted.
Protein change: p.Glu462fs; shifts the reading frame from glutamic acid 462.
Molecular consequence: frameshift variant.
Genome position: GRCh38 VCF-style: chr17-7224019-G-GCT. GRCh37 (hg19) VCF-style: chr17-7127338-G-GCT.
Other names: c.1318_1319insCT, p.Glu440fs (NM_001033859.3); c.1453_1454insCT, p.Glu485fs (NM_001270447.2); c.1156_1157insCT, p.Glu386fs (NM_001270448.2); short protein forms E386fs, E440fs, E462fs, E485fs.
Identifiers: ClinVar variation 5011587 (VCV005011587.1).

ClinVar aggregate classification (germline): Pathogenic (1 of 4 stars; one submission).

Conditions:
Very long chain acyl-CoA dehydrogenase deficiency (ACADVLD). Also called: VLCAD Deficiency; Very Long-Chain Acyl-Coenzyme A Dehydrogenase Deficiency. Identifiers: Orphanet 26793, MedGen C3887523, MONDO:0008723, OMIM 201475.

Submission:

Myriad Genetics, Inc.
Classification: Pathogenic for Very long chain acyl-CoA dehydrogenase deficiency. Last evaluated: 2023-09-06. Review status: criteria provided, single submitter. Criteria: Myriad Autosomal Dominant, Autosomal Recessive and X-Linked Classification Criteria (2023). Collection method: clinical testing. Allele origin: unknown.
Comment: NM_000018.3(ACADVL):c.1384_1385insCT(E462Afs*31) is expected to be pathogenic in the context of very-long-chain acyl-CoA dehydrogenase deficiency. This variant is predicted to lead to an abnormal or absent protein product due to the creation of a premature termination codon in ACADVL, a gene where loss-of-function variants are known to be pathogenic. Please note: this variant was assessed in the context of healthy population screening.